The following is an entry in ClinVar:

NM_001042517.2(DIAPH3):c.2289T>A (p.Asp763Glu)

Gene: DIAPH3 (diaphanous related formin 3; minus strand). Cytogenetic location: 13q21.2.
Variant type: single nucleotide variant.
Coding change: c.2289T>A on transcript NM_001042517.2 (MANE Select); coding-DNA position 2289, T replaced by A.
Protein change: p.Asp763Glu; replaces aspartic acid 763 with glutamic acid.
Molecular consequence: missense variant.
Genome position (GRCh38, 1-based): chr13:59,911,813, A>T on the plus strand (T>A on the coding strand, the complement: DIAPH3 is on the minus strand). VCF-style: chr13-59911813-A-T. GRCh37 (hg19) VCF-style: chr13-60485947-A-T.
Other names: c.2256T>A, p.Asp752Glu (NM_001258366.2); c.2151T>A, p.Asp717Glu (NM_001258367.2); c.2079T>A, p.Asp693Glu (NM_001258368.2); c.2289T>A, p.Asp763Glu (NM_001258369.2); c.1500T>A, p.Asp500Glu (NM_001258370.2, NM_030932.4); short protein forms D752E, D500E, D693E, D717E, D763E.
Identifiers: ClinVar variation 1901594 (VCV001901594.7), dbSNP rs779247938, ClinGen allele CA6996416.

ClinVar aggregate classification (germline): Uncertain significance. Review status: criteria provided, multiple submitters, no conflicts (2 of 4 stars). 3 submissions from 3 submitters: Uncertain significance (3). Last evaluated 2022-12-28.

Allele frequency attached by ClinVar (database versions not stated): gnomAD exomes 0.00001; ExAC 0.00003.
gnomAD v4.1: 14 of 1,612,838 alleles (0.00087%); highest among the groups gnomAD compares: East Asian, 0.0045%; no homozygotes.

Submissions (3):

Ambry Genetics
Classification: Uncertain significance. Last evaluated: 2022-12-28. Review status: criteria provided, single submitter. Criteria: Ambry Variant Classification Scheme 2023. Collection method: clinical testing. Allele origin: germline.

Blueprint Genetics
Classification: Uncertain significance. Last evaluated: 2022-07-13. Review status: criteria provided, single submitter. Criteria: ACMG Guidelines, 2015. Collection method: clinical testing. Allele origin: germline.

Labcorp Genetics (formerly Invitae), Labcorp
Classification: Uncertain significance. Last evaluated: 2022-06-09. Review status: criteria provided, single submitter. Criteria: Invitae Variant Classification Sherloc (09022015). Collection method: clinical testing. Allele origin: germline.
Comment: In summary, the available evidence is currently insufficient to determine the role of this variant in disease. Therefore, it has been classified as a Variant of Uncertain Significance. Algorithms developed to predict the effect of missense changes on protein structure and function are either unavailable or do not agree on the potential impact of this missense change (SIFT: "Tolerated"; PolyPhen-2: "Probably Damaging"; Align-GVGD: "Class C0"). This variant has not been reported in the literature in individuals affected with DIAPH3-related conditions. This variant is present in population databases (rs779247938, gnomAD 0.006%). This sequence change replaces aspartic acid, which is acidic and polar, with glutamic acid, which is acidic and polar, at codon 763 of the DIAPH3 protein (p.Asp763Glu).